The following is an entry in ClinVar:

NM_022489.4(INF2):c.2664G>T (p.Gln888His)

Gene: INF2 (inverted formin 2; plus strand). Cytogenetic location: 14q32.33.
Variant type: single nucleotide variant.
Coding change: c.2664G>T on transcript NM_022489.4 (MANE Select); coding-DNA position 2664, G replaced by T.
Protein change: p.Gln888His; replaces glutamine 888 with histidine.
Molecular consequence: missense variant.
Genome position (GRCh38, 1-based): chr14:104,712,881, G>T. VCF-style: chr14-104712881-G-T. GRCh37 (hg19) VCF-style: chr14-105179218-G-T.
Other names: c.2664G>T, p.Gln888His (NM_001031714.4, NM_001426862.1, NM_001426863.1 and 2 more transcripts); short protein forms Q888H.
Identifiers: ClinVar variation 2924925 (VCV002924925.3), dbSNP rs1185484075, ClinGen allele CA391222361.

ClinVar aggregate classification (germline): Uncertain significance (1 of 4 stars; one submission).

Conditions:
Focal segmental glomerulosclerosis 5 (FSGS5). Identifiers: Orphanet 656, MedGen C2750475, MONDO:0013191, OMIM 613237.
Charcot-Marie-Tooth disease dominant intermediate E. Also called: CHARCOT-MARIE-TOOTH NEUROPATHY WITH FOCAL SEGMENTAL GLOMERULONEPHRITIS. Identifiers: Orphanet 93114, MedGen C4302667, MONDO:0013758, OMIM 614455.

Allele frequency attached by ClinVar (database versions not stated): gnomAD exomes below 0.00001.
gnomAD v4.1: 1 of 1,612,702 alleles (0.000062%); highest among the groups gnomAD compares: Non-Finnish European, 0.000085%; no homozygotes.

Submission:

Labcorp Genetics (formerly Invitae), Labcorp
Classification: Uncertain significance for Charcot-Marie-Tooth disease dominant intermediate E; Focal segmental glomerulosclerosis 5. Last evaluated: 2024-01-29. Review status: criteria provided, single submitter. Criteria: Invitae Variant Classification Sherloc (09022015). Collection method: clinical testing. Allele origin: germline.
Comment: This sequence change replaces glutamine, which is neutral and polar, with histidine, which is basic and polar, at codon 888 of the INF2 protein (p.Gln888His). This variant is present in population databases (no rsID available, gnomAD 0.0009%). This variant has not been reported in the literature in individuals affected with INF2-related conditions. Advanced modeling of protein sequence and biophysical properties (such as structural, functional, and spatial information, amino acid conservation, physicochemical variation, residue mobility, and thermodynamic stability) performed at Invitae indicates that this missense variant is not expected to disrupt INF2 protein function with a negative predictive value of 95%. In summary, the available evidence is currently insufficient to determine the role of this variant in disease. Therefore, it has been classified as a Variant of Uncertain Significance.